The following is an entry in ClinVar:

NM_006904.7(PRKDC):c.7127A>G (p.Asp2376Gly)

Gene: PRKDC (protein kinase, DNA-activated, catalytic subunit; minus strand). Cytogenetic location: 8q11.21.
Variant type: single nucleotide variant.
Coding change: c.7127A>G on transcript NM_006904.7 (MANE Select); coding-DNA position 7127, A replaced by G.
Protein change: p.Asp2376Gly; replaces aspartic acid 2376 with glycine.
Molecular consequence: missense variant.
Genome position (GRCh38, 1-based): chr8:47,849,382, T>C on the plus strand (A>G on the coding strand, the complement: PRKDC is on the minus strand). VCF-style: chr8-47849382-T-C. GRCh37 (hg19) VCF-style: chr8-48761943-T-C.
Other names: c.7127A>G, p.Asp2376Gly (NM_001081640.2); short protein forms D2376G.
Identifiers: ClinVar variation 1966530 (VCV001966530.5), dbSNP rs2551868715, ClinGen allele CA371157791.
Genomic context (GRCh38, chr8:47,849,382, plus strand): 5'-GGTGAGAGGAGGGCCGAGGACCCTCCTGCCCCGAAAGGATCCCTGGACAGCCCATACCTG[T>C]CTGCAAGAGGAGGGAAGCTCTTGGTCACTTTGTTCAAGCACACAATAAACTTGTCCTCCA-3'
Protein context (NP_008835.5, residues 2366-2386): KVTKSFPPLA[Asp2376Gly]RFMNAVFFLL

ClinVar aggregate classification (germline): Uncertain significance (1 of 4 stars; one submission).

Conditions:
Severe combined immunodeficiency due to DNA-PKcs deficiency. Also called: IMMUNODEFICIENCY 26 WITH NEUROLOGIC ABNORMALITIES; Immunodeficiency 26 with or without neurologic abnormalities. Identifiers: Orphanet 317425, MedGen C4014833, MONDO:0014423, OMIM 615966.

Submission:

Labcorp Genetics (formerly Invitae), Labcorp
Classification: Uncertain significance for Severe combined immunodeficiency due to DNA-PKcs deficiency. Last evaluated: 2021-12-19. Review status: criteria provided, single submitter. Criteria: Invitae Variant Classification Sherloc (09022015). Collection method: clinical testing. Allele origin: germline.
Comment: Experimental studies and prediction algorithms are not available or were not evaluated, and the functional significance of this variant is currently unknown. This sequence change replaces aspartic acid, which is acidic and polar, with glycine, which is neutral and non-polar, at codon 2376 of the PRKDC protein (p.Asp2376Gly). This variant is not present in population databases (gnomAD no frequency). This variant has not been reported in the literature in individuals affected with PRKDC-related conditions. In summary, the available evidence is currently insufficient to determine the role of this variant in disease. Therefore, it has been classified as a Variant of Uncertain Significance.